The following is an entry in ClinVar:

ClinVar aggregate classification (germline): Conflicting classifications of pathogenicity. Review status: criteria provided, conflicting classifications (1 of 4 stars). 2 submissions from 2 submitters: Pathogenic (1); Uncertain significance (1). Last evaluated 2025-03-07.

gnomAD v4.1: 5 of 1,548,178 alleles (0.00032%); highest among the groups gnomAD compares: Non-Finnish European, 0.00044%; no homozygotes.

Submissions (2):

Labcorp Genetics (formerly Invitae), Labcorp
Classification: Pathogenic. Last evaluated: 2025-03-07. Review status: criteria provided, single submitter. Criteria: Invitae Variant Classification Sherloc (09022015). Collection method: clinical testing. Allele origin: germline.
Comment: This sequence change creates a premature translational stop signal (p.Cys798*) in the NOTCH3 gene. It is expected to result in an absent or disrupted protein product. Loss-of-function variants in NOTCH3 are known to be pathogenic (PMID: 25870235, 32980981, 38824264). This variant is not present in population databases (gnomAD no frequency). This variant has not been reported in the literature in individuals affected with NOTCH3-related conditions. ClinVar contains an entry for this variant (Variation ID: 2025688). For these reasons, this variant has been classified as Pathogenic.

Athena Diagnostics
Classification: Uncertain significance. Last evaluated: 2024-10-16. Review status: criteria provided, single submitter. Criteria: Athena Diagnostics Criteria. Collection method: clinical testing. Allele origin: unknown.
Comment: Available data are insufficient to determine the clinical significance of the variant at this time. This variant has not been reported in large, multi-ethnic general populations. This variant is predicted to result in a premature termination codon and the loss of a functional protein. However, research supports that pathogenic variants causing CADASIL do so by a toxic gain of function mechanism and the clinical relevance of loss of function (LOF) variants in this gene is under debate in the literature (PMID: 24000151, 25260852, 25870235). Internal data suggests that loss of function variants are more likely pathogenic than benign, but further studies are needed to understand their effect on NOTCH3 signaling. Greater than 90% of NOTCH3 pathogenic variants associated with CADASIL involve the gain or loss of a cysteine residue within the epidermal growth factor (EGF)-like repeat domain (PMID: 32457593, 20301673).

Literature cited by the submitters: PubMed 25870235 (cited by Labcorp Genetics (formerly Invitae), Labcorp); PubMed 32980981 (cited by Labcorp Genetics (formerly Invitae), Labcorp); PubMed 38824264 (cited by Labcorp Genetics (formerly Invitae), Labcorp).

NM_000435.3(NOTCH3):c.2394C>A (p.Cys798Ter)

Gene: NOTCH3 (notch receptor 3; minus strand). Cytogenetic location: 19p13.12.
Variant type: single nucleotide variant.
Coding change: c.2394C>A on transcript NM_000435.3 (MANE Select); coding-DNA position 2394, C replaced by A.
Protein change: p.Cys798Ter; replaces cysteine 798 with a stop codon.
Molecular consequence: nonsense.
Genome position (GRCh38, 1-based): chr19:15,184,922, G>T on the plus strand (C>A on the coding strand, the complement: NOTCH3 is on the minus strand). VCF-style: chr19-15184922-G-T. GRCh37 (hg19) VCF-style: chr19-15295733-G-T.
Other names: c.2394C>A (NM_000435.2); short protein forms C798*.
Identifiers: ClinVar variation 2025688 (VCV002025688.5), dbSNP rs1426280102, ClinGen allele CA404520291.
Genomic context (GRCh38, chr19:15,184,922, plus strand): 5'-CAGAGGAGATGGAGAGGAGGAGGGAAGAGAAGCAGGTGGCATACCTTGCCAGCCCTGGGG[G>T]CAGGAGCAGACAGGCAGCTGGCCAGGGGCAGACTCGCAGCGGCCCCCATGCTCACAGGGG-3'